The following is an entry in ClinVar:

ClinVar aggregate classification (germline): Conflicting classifications of pathogenicity. Review status: criteria provided, conflicting classifications (1 of 4 stars). 2 submissions from 2 submitters: Likely pathogenic (1); Uncertain significance (1). Last evaluated 2025-08-05.

Conditions:
Pontocerebellar hypoplasia type 2D (PCH2D). Also called: Progressive cerebello-cerebral atrophy. Identifiers: Orphanet 247198, Orphanet 2524, MedGen C3151140, MONDO:0013438, OMIM 613811.

gnomAD v4.1: 1 of 1,612,230 alleles (0.000062%); no homozygotes.

Submissions (2):

3billion
Classification: Likely pathogenic for Pontocerebellar hypoplasia type 2D. Last evaluated: 2025-08-05. Review status: criteria provided, single submitter. Criteria: ACMG Guidelines, 2015. Collection method: clinical testing. Allele origin: germline. Affected: yes.
Comment: The variant is observed at an extremely low frequency in the gnomAD v4.1.0 dataset (total allele frequency: <0.001%). Predicted Consequence/Location: Missense variant. The majority of the known disease-causing variants of this gene are variants expected to result in premature termination of the protein. In silico tool predictions suggest damaging effect of the variant on gene or gene product [REVEL: 0.90 (>=0.6, sensitivity 0.68 and specificity 0.92); 3Cnet: 0.02 (> 0.75, sensitivity 0.96 and precision 0.92)]. The same nucleotide change resulting in the same amino acid change has been previously reported to be associated with SEPSECS-related disorder (PMID: 26805434). A different missense change at the same codon (p.Tyr334Cys) has been reported as pathogenic/likely pathogenic with strong evidence (ClinVar ID: VCV000018400 /PMID: 20920667). Therefore, this variant is classified as Likely pathogenic according to the recommendation of ACMG/AMP guideline.

Broad Center for Mendelian Genomics, Broad Institute of MIT and Harvard
Classification: Uncertain significance for Pontocerebellar hypoplasia type 2D. Last evaluated: 2018-11-15. Review status: criteria provided, single submitter. Criteria: ACMG Guidelines, 2015. Collection method: research. Allele origin: germline. Inheritance: Autosomal recessive inheritance. Affected: yes.
Comment: This variant was absent from large population studies. Computational prediction tools and conservation analyses suggest that this variant may impact the protein, though this information is not predictive enough to determine pathogenicity. In summary, the clinical significance of the p.Tyr334His variant is uncertain.

Literature cited by the submitters: PubMed 20920667 (cited by 3billion); PubMed 26805434 (cited by 3billion).

NM_016955.4(SEPSECS):c.1000T>C (p.Tyr334His)

Gene: SEPSECS (Sep (O-phosphoserine) tRNA:Sec (selenocysteine) tRNA synthase; minus strand). Cytogenetic location: 4p15.2.
Variant type: single nucleotide variant.
Coding change: c.1000T>C on transcript NM_016955.4 (MANE Select); coding-DNA position 1000, T replaced by C.
Protein change: p.Tyr334His; replaces tyrosine 334 with histidine.
Molecular consequence: missense variant.
Genome position (GRCh38, 1-based): chr4:25,144,800, A>G on the plus strand (T>C on the coding strand, the complement: SEPSECS is on the minus strand). VCF-style: chr4-25144800-A-G. GRCh37 (hg19) VCF-style: chr4-25146422-A-G.
Other names: short protein forms Y334H.
Identifiers: ClinVar variation 800530 (VCV000800530.2), dbSNP rs1029077401, ClinGen allele CA93576039.